The following is an entry in ClinVar:

NM_001042492.3(NF1):c.2227del (p.Ser743fs)

Gene: NF1 (neurofibromin 1; plus strand). Cytogenetic location: 17q11.2.
Variant type: Deletion.
Coding change: c.2227del on transcript NM_001042492.3 (MANE Select); coding-DNA position 2227, one base deleted (T; older notation c.2227delT).
Protein change: p.Ser743fs; shifts the reading frame from serine 743.
Molecular consequence: frameshift variant.
Genome position (GRCh38, 1-based): chr17:31,226,660, T deleted. VCF-style (leftmost placement, unchanged base first): chr17-31226659-CT-C. GRCh37 (hg19) VCF-style: chr17-29553677-CT-C.
Other names: c.2227delT, p.Ser743Leufs (NM_000267.4); short protein forms S743fs.
Identifiers: ClinVar variation 1398131 (VCV001398131.6), dbSNP rs2151426113, ClinGen allele CA2573153263.

ClinVar aggregate classification (germline): Pathogenic (1 of 4 stars; one submission).

Conditions:
Neurofibromatosis, type 1 (NF1). Also called: NEUROFIBROMATOSIS, TYPE I, SOMATIC; Peripheral type neurofibromatosis; Neurofibromatosis, type I; VON RECKLINGHAUSEN DISEASE. Identifiers: Orphanet 636, MedGen C0027831, MONDO:0018975, OMIM 162200. Disease mechanism: loss of function.

Submission:

Labcorp Genetics (formerly Invitae), Labcorp
Classification: Pathogenic for Neurofibromatosis, type 1. Last evaluated: 2020-10-22. Review status: criteria provided, single submitter. Criteria: Invitae Variant Classification Sherloc (09022015). Collection method: clinical testing. Allele origin: germline.
Comment: This variant is not present in population databases (ExAC no frequency). For these reasons, this variant has been classified as Pathogenic. This variant has not been reported in the literature in individuals with NF1-related conditions. This sequence change creates a premature translational stop signal (p.Ser743Leufs*5) in the NF1 gene. It is expected to result in an absent or disrupted protein product. Loss-of-function variants in NF1 are known to be pathogenic (PMID: 10712197, 23913538).

Literature cited by the submitters: PubMed 10712197; PubMed 23913538.